The following is an entry in ClinVar:

NM_022132.5(MCCC2):c.318C>A (p.Tyr106Ter)

Gene: MCCC2 (methylcrotonyl-CoA carboxylase subunit 2; plus strand). Cytogenetic location: 5q13.2.
Variant type: single nucleotide variant.
Coding change: c.318C>A on transcript NM_022132.5 (MANE Select); coding-DNA position 318, C replaced by A.
Protein change: p.Tyr106Ter; replaces tyrosine 106 with a stop codon.
Molecular consequence: nonsense.
Genome position (GRCh38, 1-based): chr5:71,599,695, C>A. VCF-style: chr5-71599695-C-A. GRCh37 (hg19) VCF-style: chr5-70895522-C-A.
Other names: c.318C>A, p.Tyr106Ter (NM_001363147.1); short protein forms Y106*.
Identifiers: ClinVar variation 1073702 (VCV001073702.8), dbSNP rs2112308910, ClinGen allele CA360008233.

ClinVar aggregate classification (germline): Pathogenic. Review status: criteria provided, multiple submitters, no conflicts (2 of 4 stars). 2 submissions from 2 submitters: Pathogenic (2). Last evaluated 2024-10-22.

Conditions:
3-methylcrotonyl-CoA carboxylase 2 deficiency. Also called: 3 alpha methylcrotonyl-CoA carboxylase 2 deficiency; 3 alpha methylcrotonylglycinuria 2; MCC 2 deficiency; Methylcrotonylglycinuria type 2; METHYLCROTONYLGLYCINURIA, TYPE II. Identifiers: Orphanet 6, MedGen C1859499, MONDO:0008862, OMIM 210210.

gnomAD v4.1: 2 of 1,614,084 alleles (0.00012%); highest among the groups gnomAD compares: Non-Finnish European, 0.00017%; no homozygotes.

Submissions (2):

Myriad Genetics, Inc.
Classification: Pathogenic for 3-methylcrotonyl-CoA carboxylase 2 deficiency. Last evaluated: 2024-10-22. Review status: criteria provided, single submitter. Criteria: Myriad Autosomal Dominant, Autosomal Recessive and X-Linked Classification Criteria (2023). Collection method: clinical testing. Allele origin: unknown.
Comment: NM_022132.4(MCCC2):c.318C>A(Y106*) is expected to be pathogenic in the context of 3-methylcrotonyl-CoA carboxylase deficiency, MCCC2-related. This variant is predicted to lead to an abnormal or absent protein product due to the creation of a premature termination codon in MCCC2, a gene where loss-of-function variants are known to be pathogenic. Please note: this variant was assessed in the context of healthy population screening.

Labcorp Genetics (formerly Invitae), Labcorp
Classification: Pathogenic for 3-methylcrotonyl-CoA carboxylase 2 deficiency. Last evaluated: 2021-06-30. Review status: criteria provided, single submitter. Criteria: Invitae Variant Classification Sherloc (09022015). Collection method: clinical testing. Allele origin: germline.
Comment: This sequence change creates a premature translational stop signal (p.Tyr106*) in the MCCC2 gene. It is expected to result in an absent or disrupted protein product. Loss-of-function variants in MCCC2 are known to be pathogenic (PMID: 11181649, 22642865). This variant is not present in population databases (ExAC no frequency). This variant has not been reported in the literature in individuals affected with MCCC2-related conditions. ClinVar contains an entry for this variant (Variation ID: 1073702). For these reasons, this variant has been classified as Pathogenic.

Literature cited by the submitters: PubMed 11181649 (cited by Labcorp Genetics (formerly Invitae), Labcorp); PubMed 22642865 (cited by Labcorp Genetics (formerly Invitae), Labcorp).